The following is an entry in ClinVar:

ClinVar aggregate classification (germline): Uncertain significance (1 of 4 stars; one submission).

Conditions:
Epidermolysis bullosa simplex 5B, with muscular dystrophy (EBS5B). Also called: EPIDERMOLYSIS BULLOSA SIMPLEX AND LIMB-GIRDLE MUSCULAR DYSTROPHY; Epidermolysis bullosa simplex with muscular dystrophy. Identifiers: Orphanet 257, MedGen C2931072, MONDO:0009181, OMIM 226670.
Epidermolysis bullosa simplex 5C, with pyloric atresia (EBS5C). Also called: Epidermolysis bullosa simplex with pyloric atresia; PLEC-Related Epidermolysis Bullosa with Pyloric Atresia; PLEC1-Related Epidermolysis Bullosa with Pyloric Atresia. Identifiers: Orphanet 158684, MedGen C2677349, MONDO:0012807, OMIM 612138.
Autosomal recessive limb-girdle muscular dystrophy type 2Q (LGMDR17). Also called: MUSCULAR DYSTROPHY, LIMB-GIRDLE, AUTOSOMAL RECESSIVE 17. Identifiers: Orphanet 254361, MedGen C3150989, MONDO:0013390, OMIM 613723.
Epidermolysis bullosa simplex with nail dystrophy (EBS5D). Identifiers: MedGen C4225309, MONDO:0014661, OMIM 616487.
Epidermolysis bullosa simplex, Ogna type (EBS5A). Also called: Pidermolysis bullosa simplex 5A, Ogna type; EPIDERMOLYSIS BULLOSA SIMPLEX 5A, OGNA TYPE. Identifiers: Orphanet 79401, MedGen C0432317, MONDO:0007555, OMIM 131950.

Allele frequency attached by ClinVar (database versions not stated): gnomAD exomes below 0.00001; gnomAD 0.00001; TOPMed 0.00001.
gnomAD v4.1: 2 of 1,559,972 alleles (0.00013%); highest among the groups gnomAD compares: Non-Finnish European, 0.00017%; no homozygotes.

Submission:

Labcorp Genetics (formerly Invitae), Labcorp
Classification: Uncertain significance for Autosomal recessive limb-girdle muscular dystrophy type 2Q; Epidermolysis bullosa simplex, Ogna type; Epidermolysis bullosa simplex with nail dystrophy; Epidermolysis bullosa simplex 5C, with pyloric atresia; Epidermolysis bullosa simplex 5B, with muscular dystrophy. Last evaluated: 2021-07-12. Review status: criteria provided, single submitter. Criteria: Invitae Variant Classification Sherloc (09022015). Collection method: clinical testing. Allele origin: germline.
Comment: This sequence change replaces glutamine with glutamic acid at codon 2564 of the PLEC protein (p.Gln2564Glu). The glutamine residue is highly conserved and there is a small physicochemical difference between glutamine and glutamic acid. This variant is not present in population databases (ExAC no frequency). This variant has not been reported in the literature in individuals affected with PLEC-related conditions. Algorithms developed to predict the effect of missense changes on protein structure and function are either unavailable or do not agree on the potential impact of this missense change (SIFT: "Deleterious"; PolyPhen-2: "Benign"; Align-GVGD: "Class C0"). In summary, the available evidence is currently insufficient to determine the role of this variant in disease. Therefore, it has been classified as a Variant of Uncertain Significance.

NM_201384.3(PLEC):c.7609C>G (p.Gln2537Glu)

Gene: PLEC (plectin; minus strand). Cytogenetic location: 8q24.3.
Variant type: single nucleotide variant.
Coding change: c.7609C>G on transcript NM_201384.3 (MANE Select); coding-DNA position 7609, C replaced by G.
Protein change: p.Gln2537Glu; replaces glutamine 2537 with glutamic acid.
Molecular consequence: missense variant.
Genome position (GRCh38, 1-based): chr8:143,922,212, G>C on the plus strand (C>G on the coding strand, the complement: PLEC is on the minus strand). VCF-style: chr8-143922212-G-C. GRCh37 (hg19) VCF-style: chr8-144996380-G-C.
Other names: c.7690C>G, p.Gln2564Glu (NM_000445.5); c.7567C>G, p.Gln2523Glu (NM_201378.4); c.7543C>G, p.Gln2515Glu (NM_201379.3); c.8020C>G, p.Gln2674Glu (NM_201380.4); c.7513C>G, p.Gln2505Glu (NM_201381.3); c.7609C>G, p.Gln2537Glu (NM_201382.4); c.7621C>G, p.Gln2541Glu (NM_201383.3); short protein forms Q2523E, Q2537E, Q2505E, Q2674E, Q2515E, Q2541E, Q2564E.
Identifiers: ClinVar variation 1436917 (VCV001436917.8), dbSNP rs1376260084, ClinGen allele CA372523956.